The following is an entry in ClinVar:

NM_000186.4(CFH):c.1656G>A (p.Val552=)

Gene: CFH (complement factor H; plus strand). Cytogenetic location: 1q31.3.
Variant type: single nucleotide variant.
Coding change: c.1656G>A on transcript NM_000186.4 (MANE Select); coding-DNA position 1656, G replaced by A.
Protein change: p.Val552=; no amino-acid change (valine 552 retained).
Molecular consequence: synonymous variant.
Genome position (GRCh38, 1-based): chr1:196,715,729, G>A. VCF-style: chr1-196715729-G-A. GRCh37 (hg19) VCF-style: chr1-196684859-G-A.
Identifiers: ClinVar variation 4291406 (VCV004291406.1).
Genomic context (GRCh38, chr1:196,715,729, plus strand): 5'-GGACTATGAATGCCATGATGGTTATGAAAGCAATACTGGAAGCACCACTGGTTCCATAGT[G>A]TGTGGTTACAATGGTTGGTCTGATTTACCCATATGTTATGGTAAGTACTGGTTTTTCAGA-3'
Protein context (NP_000177.2, residues 542-562): SNTGSTTGSI[Val552=]CGYNGWSDLP

ClinVar aggregate classification (germline): Likely benign (1 of 4 stars; one submission).

Conditions:
Atypical hemolytic-uremic syndrome. Identifiers: Orphanet 2134, MedGen C2931788, MONDO:0016244.
Basal laminar drusen. Also called: DRUSEN OF BRUCH MEMBRANE; DRUSEN, CUTICULAR; DRUSEN, EARLY ADULT-ONSET, GROUPED. Identifiers: Orphanet 75376, MedGen C0730295, MONDO:0007472, OMIM 126700.
Factor H deficiency (CFHD). Also called: COMPLEMENT FACTOR H DEFICIENCY; CFH DEFICIENCY. Identifiers: Orphanet 200421, MedGen C0398777, MONDO:0012350, OMIM 609814.
Age related macular degeneration 4. Identifiers: MedGen C1853147, MONDO:0012540, OMIM 610698.

Submission:

Genomenon, Inc
Classification: Likely benign for Basal laminar drusen; Age related macular degeneration 4; Atypical hemolytic-uremic syndrome; Factor H deficiency. Last evaluated: 2025-10-02. Review status: criteria provided, single submitter. Criteria: Genomenon Sequence Variant Interpretation Standards - Updated. Collection method: curation. Allele origin: germline. Affected: no.
Comment: CFH p.Val552= (c.1656G>A) is a synonymous variant that retains Valine at residue 552. This variant has been reported in the published literature (PMID:36211394). This synonymous variant is not predicted to impact splicing. It is absent or not present at a significant frequency in gnomAD. In conclusion, we classify CFH p.Val552= (c.1656G>A) as a likely benign variant.

Literature cited by the submitters: PubMed 36211394.